The following is an entry in ClinVar:

NM_020975.6(RET):c.625+139C>T

Gene: RET (ret proto-oncogene; plus strand). Cytogenetic location: 10q11.21.
Variant type: single nucleotide variant.
Coding change: c.625+139C>T on transcript NM_020975.6 (MANE Select); 139 bases into the intron after coding-DNA position 625, C replaced by T.
Molecular consequence: intron variant.
Genome position (GRCh38, 1-based): chr10:43,102,768, C>T. VCF-style: chr10-43102768-C-T. GRCh37 (hg19) VCF-style: chr10-43598216-C-T.
Other names: c.625+139C>T (NM_020630.7, NM_001406743.1, NM_001406744.1 and 14 more transcripts); c.496+139C>T (NM_001406764.1, NM_001406762.1, NM_001406761.1 and 4 more transcripts); c.337+2046C>T (NM_001406770.1, NM_001406766.1, NM_001406767.1 and 8 more transcripts); c.74-6263C>T (NM_001406784.1); c.74-9331C>T (NM_001406794.1, NM_001406792.1, NM_001406793.1).
Identifiers: ClinVar variation 679372 (VCV000679372.7), dbSNP rs115766280, ClinGen allele CA206256212.

ClinVar aggregate classification (germline): Benign/Likely benign. Review status: criteria provided, multiple submitters, no conflicts (2 of 4 stars). 2 submissions from 2 submitters: Benign (1); Likely benign (1). Last evaluated 2026-01-01.

Allele frequency attached by ClinVar (database versions not stated): gnomAD 0.01177 and 0.01278; 1000 Genomes Project 30x 0.01202; 1000 Genomes Project 0.01218; TOPMed 0.01322.
gnomAD v4.1: 2,915 of 1,062,492 alleles (0.27%); highest among the groups gnomAD compares: African/African-American, 4.2%; 52 homozygotes.

Submissions (2):

CeGaT Center for Human Genetics Tuebingen
Classification: Benign. Last evaluated: 2026-01-01. Review status: criteria provided, single submitter. Criteria: CeGaT Center For Human Genetics Tuebingen Variant Classification Criteria Version 2. Collection method: clinical testing. Allele origin: germline. Affected: yes. Observed: 1 variant allele.
Comment: RET: BS1, BS2

GeneDx
Classification: Likely benign. Last evaluated: 2018-06-16. Review status: criteria provided, single submitter. Criteria: GeneDx Variant Classification (06012015). Collection method: clinical testing. Allele origin: germline. Affected: yes.
Comment: This variant is considered likely benign or benign based on one or more of the following criteria: it is a conservative change, it occurs at a poorly conserved position in the protein, it is predicted to be benign by multiple in silico algorithms, and/or has population frequency not consistent with disease.